The following is an entry in ClinVar:

ClinVar aggregate classification (germline): Likely pathogenic. Review status: criteria provided, multiple submitters, no conflicts (2 of 4 stars). 2 submissions from 2 submitters: Likely pathogenic (2). Last evaluated 2025-04-01.

Conditions:
Intellectual developmental disorder, X-linked 97. Also called: Intellectual disability, X-linked 97. Identifiers: Orphanet 777, MedGen C2749020, MONDO:0010430, OMIM 300803.

Submissions (2):

CeGaT Center for Human Genetics Tuebingen
Classification: Likely pathogenic. Last evaluated: 2025-04-01. Review status: criteria provided, single submitter. Criteria: CeGaT Center For Human Genetics Tuebingen Variant Classification Criteria Version 2. Collection method: clinical testing. Allele origin: germline. Affected: yes. Observed: 1 variant allele.
Comment: ZNF711: PVS1:Strong, PM2

ARUP Laboratories, Molecular Genetics and Genomics, ARUP Laboratories
Classification: Likely pathogenic for Intellectual developmental disorder, X-linked 97. Last evaluated: 2023-11-29. Review status: criteria provided, single submitter. Criteria: ARUP Molecular Germline Variant Investigation Process 2024. Collection method: clinical testing. Allele origin: germline.
Comment: The ZNF711 c.2079del; p.Lys693AsnfsTer3 variant, to our knowledge, is not reported in the medical literature or gene specific databases. This variant is absent from the Genome Aggregation Database (v2.1.1), indicating it is not a common polymorphism. This variant causes a frameshift by deleting a single nucleotide and results in a premature termination codon in the last exon of the ZNF711 gene. While this may not lead to nonsense-mediated decay, it is expected to create a truncated protein, and it occurs in the region encoding the zinc finger domains where other pathogenic truncating variants have been reported, including variants both nearby and downstream (Wang 2022). Based on available information, the c.2079del variant is considered to be likely pathogenic. References: Wang J et al. Clinical findings and a DNA methylation signature in kindreds with alterations in ZNF711. Eur J Hum Genet. 2022 Apr;30(4):420-427. PMID: 34992252.

NM_001330574.2(ZNF711):c.2217del (p.Lys739fs)

Gene: ZNF711 (ZFX family zinc finger ZNF711; plus strand). Cytogenetic location: Xq21.1.
Variant type: Deletion.
Coding change: c.2217del on transcript NM_001330574.2 (MANE Select); coding-DNA position 2217, one base deleted (A; older notation c.2217delA).
Protein change: p.Lys739fs; shifts the reading frame from lysine 739.
Molecular consequence: frameshift variant.
Genome position (GRCh38, 1-based): chrX:85,271,621, A deleted; the last of 7 consecutive A bases (chrX:85,271,615-85,271,621); deleting any one gives the same sequence. VCF-style (leftmost placement, unchanged base first): chrX-85271614-TA-T. GRCh37 (hg19) VCF-style: chrX-84526620-TA-T.
Other names: c.2217del, p.Lys739fs (NM_001375433.1, NM_001375431.1, NM_001375432.1); c.2079del, p.Lys693fs (NM_001375434.1, NM_001375435.1, NM_001375436.1 and 2 more transcripts); short protein forms K739fs, K693fs.
Identifiers: ClinVar variation 2921256 (VCV002921256.8), dbSNP rs1264060719, ClinGen allele CA643007337.